The following is an entry in ClinVar:

ClinVar aggregate classification (germline): Benign (1 of 4 stars; one submission).

gnomAD v4.1: 18,838 of 1,611,138 alleles (1.2%); highest among the groups gnomAD compares: Middle Eastern, 3.9%; 150 homozygotes.

Submission:

CeGaT Center for Human Genetics Tuebingen
Classification: Benign. Last evaluated: 2026-04-01. Review status: criteria provided, single submitter. Criteria: CeGaT Center For Human Genetics Tuebingen Variant Classification Criteria Version 2. Collection method: clinical testing. Allele origin: germline. Affected: yes. Observed: 2 variant alleles.
Comment: INPP4A: BP4, BP7, BS1, BS2

NM_001134225.2(INPP4A):c.411G>A (p.Thr137=)

Gene: INPP4A (inositol polyphosphate-4-phosphatase type I A; plus strand). Cytogenetic location: 2q11.2.
Variant type: single nucleotide variant.
Coding change: c.411G>A on transcript NM_001134225.2 (MANE Select); coding-DNA position 411, G replaced by A.
Protein change: p.Thr137=; no amino-acid change (threonine 137 retained).
Molecular consequence: synonymous variant.
Genome position (GRCh38, 1-based): chr2:98,536,152, G>A. VCF-style: chr2-98536152-G-A. GRCh37 (hg19) VCF-style: chr2-99152615-G-A.
Other names: c.411G>A, p.Thr137= (NM_001351427.2, NM_001351428.2, NM_001351429.2 and 6 more transcripts).
Identifiers: ClinVar variation 4871927 (VCV004871927.2).